The following is an entry in ClinVar:

ClinVar aggregate classification (germline): Likely benign. Review status: criteria provided, multiple submitters, no conflicts (2 of 4 stars). 2 submissions from 2 submitters: Likely benign (2). Last evaluated 2025-08-25.

Conditions:
Christianson syndrome (MRXSCH). Also called: X-linked mental retardation, syndromic, Christianson type; INTELLECTUAL DEVELOPMENTAL DISORDER, X-LINKED, SYNDROMIC, CHRISTIANSON TYPE; SLC9A6-Related Syndromic Mental Retardation. Identifiers: Orphanet 85278, MedGen C2678194, MONDO:0010278, OMIM 300243.

Allele frequency attached by ClinVar (database versions not stated): gnomAD exomes below 0.00001; TOPMed below 0.00001.
gnomAD v4.1: 4 of 1,164,686 alleles (0.00034%); highest among the groups gnomAD compares: Admixed American, 0.0088%; no homozygotes.

Submissions (2):

Labcorp Genetics (formerly Invitae), Labcorp
Classification: Likely benign for Christianson syndrome. Last evaluated: 2025-08-25. Review status: criteria provided, single submitter. Criteria: Invitae Variant Classification Sherloc (09022015). Collection method: clinical testing. Allele origin: germline.

CeGaT Center for Human Genetics Tuebingen
Classification: Likely benign. Last evaluated: 2024-11-01. Review status: criteria provided, single submitter. Criteria: CeGaT Center For Human Genetics Tuebingen Variant Classification Criteria Version 2. Collection method: clinical testing. Allele origin: germline. Affected: yes. Observed: 1 variant allele.
Comment: SLC9A6: BP4

NM_001379110.1(SLC9A6):c.1164C>T (p.Val388=)

Gene: SLC9A6 (solute carrier family 9 member A6; plus strand). Cytogenetic location: Xq26.3.
Variant type: single nucleotide variant.
Coding change: c.1164C>T on transcript NM_001379110.1 (MANE Select); coding-DNA position 1164, C replaced by T.
Protein change: p.Val388=; no amino-acid change (valine 388 retained).
Molecular consequence: synonymous variant.
Genome position (GRCh38, 1-based): chrX:136,016,728, C>T. VCF-style: chrX-136016728-C-T. GRCh37 (hg19) VCF-style: chrX-135098887-C-T.
Other names: c.1320C>T, p.Val440= (NM_001042537.2); c.1164C>T, p.Val388= (NM_001177651.2); c.1068C>T, p.Val356= (NM_001330652.2); c.1224C>T, p.Val408= (NM_006359.3).
Identifiers: ClinVar variation 469633 (VCV000469633.23), dbSNP rs1556619315, ClinGen allele CA518753566.
Genomic context (GRCh38, chrX:136,016,728, plus strand): 5'-GGCAGAGAATTTCATCTTCTCCTACATGGGGCTGACACTGTTCACCTTCCAGAACCATGT[C>T]TTTAACCCAACATTTGTAGTAGGAGCATTTGTATCCTTTATTATGTGTTTTATTTTGAAA-3'
Protein context (NP_001366039.1, residues 378-398): GLTLFTFQNH[Val388=]FNPTFVVGAF